The following is an entry in ClinVar:

NM_206933.4(USH2A):c.4081+1G>A

Genes: USH2A (usherin; minus strand), USH2A-AS1 (USH2A antisense RNA 1; plus strand). Cytogenetic location: 1q41.
Variant type: single nucleotide variant.
Coding change: c.4081+1G>A on transcript NM_206933.4 (MANE Select); the canonical splice donor site of the intron after coding-DNA position 4081, G replaced by A.
Molecular consequence: splice donor variant.
Genome position (GRCh38, 1-based): chr1:216,198,314, C>T on the plus strand (G>A on the coding strand, the complement: USH2A is on the minus strand). VCF-style: chr1-216198314-C-T. GRCh37 (hg19) VCF-style: chr1-216371656-C-T.
Other names: c.4081+1G>A (NM_007123.6).
Identifiers: ClinVar variation 1469948 (VCV001469948.6), dbSNP rs2102463697, ClinGen allele CA344866846.

ClinVar aggregate classification (germline): Likely pathogenic (1 of 4 stars; one submission).

Submission:

Labcorp Genetics (formerly Invitae), Labcorp
Classification: Likely pathogenic. Last evaluated: 2021-11-09. Review status: criteria provided, single submitter. Criteria: Invitae Variant Classification Sherloc (09022015). Collection method: clinical testing. Allele origin: germline.
Comment: This sequence change affects a donor splice site in intron 18 of the USH2A gene. It is expected to disrupt RNA splicing. Variants that disrupt the donor or acceptor splice site typically lead to a loss of protein function (PMID: 16199547), and loss-of-function variants in USH2A are known to be pathogenic (PMID: 10729113, 10909849, 20507924, 25649381). This variant is not present in population databases (gnomAD no frequency). This variant has not been reported in the literature in individuals affected with USH2A-related conditions. Algorithms developed to predict the effect of sequence changes on RNA splicing suggest that this variant may disrupt the consensus splice site. In summary, the currently available evidence indicates that the variant is pathogenic, but additional data are needed to prove that conclusively. Therefore, this variant has been classified as Likely Pathogenic.

Literature cited by the submitters: PubMed 16199547; PubMed 10729113; PubMed 10909849; PubMed 20507924; PubMed 25649381.